The following is an entry in ClinVar:

NM_006389.5(HYOU1):c.1047G>A (p.Glu349=)

Gene: HYOU1 (hypoxia up-regulated 1; minus strand). Cytogenetic location: 11q23.3.
Variant type: single nucleotide variant.
Coding change: c.1047G>A on transcript NM_006389.5 (MANE Select); coding-DNA position 1047, G replaced by A.
Protein change: p.Glu349=; no amino-acid change (glutamic acid 349 retained).
Molecular consequence: synonymous variant.
Genome position (GRCh38, 1-based): chr11:119,052,370, C>T on the plus strand (G>A on the coding strand, the complement: HYOU1 is on the minus strand). VCF-style: chr11-119052370-C-T. GRCh37 (hg19) VCF-style: chr11-118923082-C-T.
Other names: c.1047G>A, p.Glu349= (NM_001130991.3, NM_001411041.1).
Identifiers: ClinVar variation 2087739 (VCV002087739.4), dbSNP rs781795540, ClinGen allele CA229623155.

ClinVar aggregate classification (germline): Uncertain significance (1 of 4 stars; one submission).

Allele frequency attached by ClinVar (database versions not stated): gnomAD 0.00001.

Submission:

Labcorp Genetics (formerly Invitae), Labcorp
Classification: Uncertain significance. Last evaluated: 2022-04-28. Review status: criteria provided, single submitter. Criteria: Invitae Variant Classification Sherloc (09022015). Collection method: clinical testing. Allele origin: germline.
Comment: In summary, the available evidence is currently insufficient to determine the role of this variant in disease. Therefore, it has been classified as a Variant of Uncertain Significance. This variant has not been reported in the literature in individuals affected with HYOU1-related conditions. This variant is present in population databases (rs781795540, gnomAD 0.002%). This sequence change affects codon 349 of the HYOU1 mRNA. It is a 'silent' change, meaning that it does not change the encoded amino acid sequence of the HYOU1 protein.